The following is an entry in ClinVar:

NM_015896.4(ZMYND10):c.319-3C>T

Gene: ZMYND10 (zinc finger MYND-type containing 10; minus strand). Cytogenetic location: 3p21.31.
Variant type: single nucleotide variant.
Coding change: c.319-3C>T on transcript NM_015896.4 (MANE Select); 3 bases into the intron before coding-DNA position 319, C replaced by T.
Molecular consequence: intron variant.
Genome position (GRCh38, 1-based): chr3:50,343,619, G>A on the plus strand (C>T on the coding strand, the complement: ZMYND10 is on the minus strand). VCF-style: chr3-50343619-G-A. GRCh37 (hg19) VCF-style: chr3-50381050-G-A.
Other names: c.319-3C>T (NM_001308379.2).
Identifiers: ClinVar variation 972514 (VCV000972514.2), dbSNP rs1264654207, ClinGen allele CA543053694.

ClinVar aggregate classification (germline): Uncertain significance (1 of 4 stars; one submission).

Conditions:
Primary ciliary dyskinesia. Also called: Ciliary dyskinesia. Identifiers: Orphanet 244, MedGen C0008780, MONDO:0016575, HP:0012265.

Allele frequency attached by ClinVar (database versions not stated): gnomAD exomes below 0.00001.
gnomAD v4.1: 1 of 1,614,134 alleles (0.000062%); highest among the groups gnomAD compares: Non-Finnish European, 0.000085%; no homozygotes.

Submission:

Labcorp Genetics (formerly Invitae), Labcorp
Classification: Uncertain significance for Primary ciliary dyskinesia. Last evaluated: 2019-10-09. Review status: criteria provided, single submitter. Criteria: Invitae Variant Classification Sherloc (09022015). Collection method: clinical testing. Allele origin: germline.
Comment: This sequence change falls in intron 3 of the ZMYND10 gene. It does not directly change the encoded amino acid sequence of the ZMYND10 protein, but it affects a nucleotide within the consensus splice site of the intron. This variant is not present in population databases (ExAC no frequency). This variant has not been reported in the literature in individuals with ZMYND10-related conditions. Nucleotide substitutions within the consensus splice site are a relatively common cause of aberrant splicing (PMID: 17576681, 9536098). Algorithms developed to predict the effect of sequence changes on RNA splicing suggest that this variant is not likely to affect RNA splicing, but this prediction has not been confirmed by published transcriptional studies. In summary, the available evidence is currently insufficient to determine the role of this variant in disease. Therefore, it has been classified as a Variant of Uncertain Significance.

Literature cited by the submitters: PubMed 17576681; PubMed 9536098.